The following is an entry in ClinVar:

NM_030665.4(RAI1):c.3347C>G (p.Pro1116Arg)

Gene: RAI1 (retinoic acid induced 1; plus strand). Cytogenetic location: 17p11.2.
Variant type: single nucleotide variant.
Coding change: c.3347C>G on transcript NM_030665.4 (MANE Select); coding-DNA position 3347, C replaced by G.
Protein change: p.Pro1116Arg; replaces proline 1116 with arginine.
Molecular consequence: missense variant.
Genome position (GRCh38, 1-based): chr17:17,796,295, C>G. VCF-style: chr17-17796295-C-G. GRCh37 (hg19) VCF-style: chr17-17699609-C-G.
Other names: short protein forms P1116R.
Identifiers: ClinVar variation 1730468 (VCV001730468.2), dbSNP rs2508586583, ClinGen allele CA398553399.

ClinVar aggregate classification (germline): Uncertain significance (1 of 4 stars; one submission).

Conditions:
Inborn genetic diseases. Identifiers: MedGen C0950123, MeSH D030342.

Submission:

Ambry Genetics
Classification: Uncertain significance for Inborn genetic diseases. Last evaluated: 2019-01-16. Review status: criteria provided, single submitter. Criteria: Ambry Variant Classification Scheme 2023. Collection method: clinical testing. Allele origin: germline.
Comment: The p.P1116R variant (also known as c.3347C>G), located in coding exon 1 of the RAI1 gene, results from a C to G substitution at nucleotide position 3347. The proline at codon 1116 is replaced by arginine, an amino acid with dissimilar properties. This amino acid position is well conserved in available vertebrate species. In addition, this alteration is predicted to be tolerated by in silico analysis. Since supporting evidence is limited at this time, the clinical significance of this alteration remains unclear.